The following is an entry in ClinVar:

NM_001170629.2(CHD8):c.4702A>C (p.Lys1568Gln)

Gene: CHD8 (chromodomain helicase DNA binding protein 8; minus strand). Cytogenetic location: 14q11.2.
Variant type: single nucleotide variant.
Coding change: c.4702A>C on transcript NM_001170629.2 (MANE Select); coding-DNA position 4702, A replaced by C.
Protein change: p.Lys1568Gln; replaces lysine 1568 with glutamine.
Molecular consequence: missense variant.
Genome position (GRCh38, 1-based): chr14:21,400,176, T>G on the plus strand (A>C on the coding strand, the complement: CHD8 is on the minus strand). VCF-style: chr14-21400176-T-G. GRCh37 (hg19) VCF-style: chr14-21868335-T-G.
Other names: c.3865A>C, p.Lys1289Gln (NM_020920.4); short protein forms K1289Q, K1568Q.
Identifiers: ClinVar variation 3903105 (VCV003903105.2).

ClinVar aggregate classification (germline): Uncertain significance (1 of 4 stars; one submission).

Submission:

GeneDx
Classification: Uncertain significance. Last evaluated: 2024-12-14. Review status: criteria provided, single submitter. Criteria: GeneDx Variant Classification Process June 2021. Collection method: clinical testing. Allele origin: germline. Affected: yes.
Comment: Not observed at significant frequency in large population cohorts (gnomAD); In silico analysis supports that this missense variant has a deleterious effect on protein structure/function; Has not been previously published as pathogenic or benign to our knowledge